The following is an entry in ClinVar:

NM_001283009.2(RTEL1):c.2881A>T (p.Lys961Ter)

Genes: RTEL1 (regulator of telomere elongation helicase 1; plus strand), RTEL1-TNFRSF6B (RTEL1-TNFRSF6B readthrough (NMD candidate); plus strand). Cytogenetic location: 20q13.33.
Variant type: single nucleotide variant.
Coding change: c.2881A>T on transcript NM_001283009.2 (MANE Select); coding-DNA position 2881, A replaced by T.
Protein change: p.Lys961Ter; replaces lysine 961 with a stop codon.
Molecular consequence: nonsense. On other transcripts: non-coding transcript variant (1).
Genome position (GRCh38, 1-based): chr20:63,693,172, A>T. VCF-style: chr20-63693172-A-T. GRCh37 (hg19) VCF-style: chr20-62324525-A-T.
Other names: c.2212A>T, p.Lys738Ter (NM_001283010.1); c.2881A>T, p.Lys961Ter (NM_016434.4); c.2953A>T, p.Lys985Ter (NM_032957.5); short protein forms K961*, K985*, K738*.
Identifiers: ClinVar variation 551394 (VCV000551394.5), dbSNP rs1555813144, ClinGen allele CA409683229.

ClinVar aggregate classification (germline): Pathogenic. Review status: criteria provided, single submitter (1 of 4 stars). 2 submissions from 2 submitters: Pathogenic (1). 1 of the submissions does not count toward it. Last evaluated 2023-03-22.

Conditions:
Pulmonary fibrosis and/or bone marrow failure, Telomere-related, 3. Also called: PULMONARY FIBROSIS AND/OR BONE MARROW FAILURE SYNDROME, TELOMERE-RELATED, 3. Identifiers: Orphanet 2032, MedGen C4225346, MONDO:0014613, OMIM 616373.
Dyskeratosis congenita, autosomal recessive 5 (DKCB5). Identifiers: MedGen C3554656, MONDO:0014076, OMIM 615190.

gnomAD v4.1: 1 of 1,612,128 alleles (0.000062%); no homozygotes.

Submissions (2):

Labcorp Genetics (formerly Invitae), Labcorp
Classification: Pathogenic for Dyskeratosis congenita, autosomal recessive 5; Pulmonary fibrosis and/or bone marrow failure, Telomere-related, 3. Last evaluated: 2023-03-22. Review status: criteria provided, single submitter. Criteria: Invitae Variant Classification Sherloc (09022015). Collection method: clinical testing. Allele origin: germline.
Comment: For these reasons, this variant has been classified as Pathogenic. ClinVar contains an entry for this variant (Variation ID: 551394). This variant has not been reported in the literature in individuals affected with RTEL1-related conditions. This variant is not present in population databases (gnomAD no frequency). This sequence change creates a premature translational stop signal (p.Lys961*) in the RTEL1 gene. It is expected to result in an absent or disrupted protein product. Loss-of-function variants in RTEL1 are known to be pathogenic (PMID: 23453664, 23959892, 25607374).

Counsyl
Classification: Likely pathogenic for Dyskeratosis congenita, autosomal recessive 5. Last evaluated: 2017-04-06. Review status: no assertion criteria provided. Collection method: clinical testing. Allele origin: unknown. Not counted in ClinVar's aggregate classification.

Literature cited by the submitters: PubMed 23453664 (cited by Labcorp Genetics (formerly Invitae), Labcorp); PubMed 23959892 (cited by Labcorp Genetics (formerly Invitae), Labcorp); PubMed 25607374 (cited by Labcorp Genetics (formerly Invitae), Labcorp).